The following is an entry in ClinVar:

ClinVar aggregate classification (germline): Pathogenic/Likely pathogenic. Review status: criteria provided, multiple submitters, no conflicts (2 of 4 stars). 2 submissions from 2 submitters: Pathogenic (1); Likely pathogenic (1). Last evaluated 2025-08-05.

Conditions:
FANCA-related disorder. Also called: FANCA-related condition.
Fanconi anemia (FA). Also called: Fanconi's anemia. Identifiers: Orphanet 84, MedGen C0015625, MeSH D005199, MONDO:0019391.

Submissions (2):

Labcorp Genetics (formerly Invitae), Labcorp
Classification: Pathogenic for Fanconi anemia. Last evaluated: 2025-08-05. Review status: criteria provided, single submitter. Criteria: Invitae Variant Classification Sherloc (09022015). Collection method: clinical testing. Allele origin: germline.
Comment: This sequence change creates a premature translational stop signal (p.His913Glnfs*29) in the FANCA gene. It is expected to result in an absent or disrupted protein product. Loss-of-function variants in FANCA are known to be pathogenic (PMID: 19367192). This variant is not present in population databases (gnomAD no frequency). This variant has not been reported in the literature in individuals affected with FANCA-related conditions. ClinVar contains an entry for this variant (Variation ID: 647752). For these reasons, this variant has been classified as Pathogenic.

PreventionGenetics, part of Exact Sciences
Classification: Likely pathogenic for FANCA-related condition. Last evaluated: 2022-10-12. Review status: criteria provided, single submitter. Criteria: ACMG Guidelines, 2015. Collection method: clinical testing. Allele origin: germline.
Comment: The FANCA c.2739_2740delCA variant is predicted to result in a frameshift and premature protein termination (p.His913Glnfs*29). To our knowledge, this variant has not been reported in the literature. This variant has not been reported in a large population database, indicating this variant is rare. Frameshift variants in FANCA are expected to be pathogenic. This variant is interpreted as likely pathogenic.

Literature cited by the submitters: PubMed 19367192 (cited by Labcorp Genetics (formerly Invitae), Labcorp).

NM_000135.4(FANCA):c.2739_2740del (p.His913fs)

Gene: FANCA (FA complementation group A; minus strand). Cytogenetic location: 16q24.3.
Variant type: Microsatellite.
Coding change: c.2739_2740del on transcript NM_000135.4 (MANE Select); coding-DNA positions 2739 to 2740, 2 bases deleted (CA; older notation c.2739_2740delCA).
Protein change: p.His913fs; shifts the reading frame from histidine 913.
Molecular consequence: frameshift variant.
Genome position (GRCh38, 1-based): chr16:89,764,928-89,764,929, TG deleted on the plus strand (CA on the coding strand, the reverse complement: FANCA is on the minus strand); deleting any 2 consecutive bases within chr16:89,764,928-89,764,934 gives the same sequence; the c. name uses the placement nearest the transcript's 3' end. VCF-style (leftmost placement, unchanged base first): chr16-89764927-CTG-C. GRCh37 (hg19) VCF-style: chr16-89831335-CTG-C.
Other names: c.2739_2740del, p.His913fs (NM_001286167.3); c.2739_2740delCA (NM_000135.2); short protein forms H913fs.
Identifiers: ClinVar variation 647752 (VCV000647752.7), dbSNP rs1186669727, ClinGen allele CA725767355.